The following is an entry in ClinVar:

NM_001001563.5(TIMM50):c.337C>T (p.Arg113Cys)

Gene: TIMM50 (translocase of inner mitochondrial membrane 50; plus strand). Cytogenetic location: 19q13.2.
Variant type: single nucleotide variant.
Coding change: c.337C>T on transcript NM_001001563.5 (MANE Select); coding-DNA position 337, C replaced by T.
Protein change: p.Arg113Cys; replaces arginine 113 with cysteine.
Molecular consequence: missense variant. On other transcripts: intron variant (1).
Genome position (GRCh38, 1-based): chr19:39,485,567, C>T. VCF-style: chr19-39485567-C-T. GRCh37 (hg19) VCF-style: chr19-39976207-C-T.
Other names: c.34-121C>T (NM_001329559.2); c.646C>T (NM_001001563.3); short protein forms R113C.
Identifiers: ClinVar variation 2869284 (VCV002869284.7), dbSNP rs765887398, ClinGen allele CA9431793.
Genomic context (GRCh38, chr19:39,485,567, plus strand): 5'-TTATTGTGGAATCTCTTTGTGCCTGGTGTTCTCCTAGATCCAATTCTGGTACAGCAGTTG[C>T]GCCGGACATACAAATATTTCAAAGATTATAGACAGGTGAGCAGAAGCCCTGGGCTCAGTC-3'
Protein context (NP_001001563.2, residues 103-123): DNDPILVQQL[Arg113Cys]RTYKYFKDYR

ClinVar aggregate classification (germline): Conflicting classifications of pathogenicity. Review status: criteria provided, conflicting classifications (1 of 4 stars). 3 submissions from 3 submitters: Pathogenic (2); Uncertain significance (1). Last evaluated 2024-10-08.

Conditions:
Mitochondrial disease. Also called: Mitochondrial disorders; Mitochondrial disorder. Identifiers: Orphanet 68380, MedGen C0751651, MeSH D028361, MONDO:0044970.
3-methylglutaconic aciduria type 9. Also called: 3-METHYLGLUTACONIC ACIDURIA, TYPE IX. Identifiers: Orphanet 505216, MedGen C4540171, MONDO:0044724, OMIM 617698.

Allele frequency attached by ClinVar (database versions not stated): ExAC 0.00002; TOPMed below 0.00001; gnomAD 0.00001; gnomAD exomes 0.00001.

Submissions (3):

Victorian Clinical Genetics Services, Murdoch Childrens Research Institute
Classification: Pathogenic for Mitochondrial disease. Last evaluated: 2024-10-08. Review status: criteria provided, single submitter. Criteria: ACMG Guidelines, 2015. Collection method: clinical testing. Allele origin: germline. Inheritance: Autosomal recessive inheritance. Affected: yes.
Comment: Based on the classification scheme VCGS_Germline_v1.3.4, this variant is classified as Pathogenic. Following criteria are met: 0102 - Loss of function is a known mechanism of disease in this gene and is associated with 3-methylglutaconic aciduria, type IX (MIM#617698). (I) 0106 - This gene is associated with autosomal recessive disease. (I) 0200 - Variant is predicted to result in a missense amino acid change from arginine to cysteine. (I) 0252 - This variant is homozygous. (I) 0304 - Variant is present in gnomAD <0.01 for a recessive condition (v2: 4 heterozygotes, 0 homozygotes). (SP) 0309 - Alternative amino acid changes at the same position have been observed in gnomAD (highest allele count in v2: 4 heterozygotes, 0 homozygotes). (I) 0501 - Missense variant consistently predicted to be damaging by multiple in silico tools or highly conserved with a major amino acid change. (SP) 0604 - Variant is not located in an established domain, motif, hotspot or informative constraint region. (I) 0705 - No comparable missense variants have previous evidence for pathogenicity. (I) 0807 - This variant has no previous evidence of pathogenicity. (I) 0905 - No published segregation evidence has been identified for this variant. (I) 1001 - This variant has strong functional evidence supporting abnormal protein function in the fibroblast sample of this individual (Stojanovski lab, Bio21 Institute). SDS-PAGE and BN-PAGE western blotting showed protein levels of TIMM50 and other components of the TIM23 complex were severely decreased, and proteomic studies showed levels of complexes I, II and IV subunits were reduced. These observations are consistent with the findings reported for an unrelated individual with TIMM50 defect (PMID: 30190335). In addition, fluorescence microscopy showed significant changes in the mitochondrial network and morphology. Lentiviral-mediated expression of TIMM50 were able to rescue these defects in the fibroblast sample of this individual. (SP) 1209 - This variant has been shown to be both maternally and paternally inherited (biallelic). (I) Legend: (SP) - Supporting pathogenic, (I) - Information, (SB) - Supporting benign

Mitochondrial Research Group, Murdoch Children's Research Institute
Classification: Pathogenic for 3-methylglutaconic aciduria type 9. Last evaluated: 2024-02-22. Review status: criteria provided, single submitter. Criteria: ACMG Guidelines, 2015. Collection method: clinical testing, research. Allele origin: biparental, not applicable. Inheritance: Autosomal recessive inheritance. Affected: yes. Observed: 1 homozygote. Functional consequence: protein loss of function.
Comment: The homozygous NM_001001563.5(TIMM50):c.337C>T; p.(Arg113Cys) variant is present in gnomAD <0.01 for a recessive condition (v2: 4 heterozygotes, O homozygotes), is highly conserved and has consistently damaging in silico predictions. There is strong functional evidence supporting abnormal protein function of this variant in the fibroblast sample of this individual. SDS-PAGE and BN-PAGE western blotting showed protein levels of TIMM50 and other components of the TIM23 complex were severely decreased, and proteomic studies showed levels of complexes I, II and IV subunits were reduced. Fluorescence microscopy showed significant changes in the mitochondrial network and morphology.

Labcorp Genetics (formerly Invitae), Labcorp
Classification: Uncertain significance. Last evaluated: 2023-12-19. Review status: criteria provided, single submitter. Criteria: Invitae Variant Classification Sherloc (09022015). Collection method: clinical testing. Allele origin: germline.
Comment: This sequence change replaces arginine, which is basic and polar, with cysteine, which is neutral and slightly polar, at codon 216 of the TIMM50 protein (p.Arg216Cys). This variant is present in population databases (rs765887398, gnomAD 0.005%). This variant has not been reported in the literature in individuals affected with TIMM50-related conditions. Advanced modeling of protein sequence and biophysical properties (such as structural, functional, and spatial information, amino acid conservation, physicochemical variation, residue mobility, and thermodynamic stability) performed at Invitae indicates that this missense variant is not expected to disrupt TIMM50 protein function with a negative predictive value of 80%. In summary, the available evidence is currently insufficient to determine the role of this variant in disease. Therefore, it has been classified as a Variant of Uncertain Significance.

Literature cited by the submitters: PubMed 30190335 (cited by Victorian Clinical Genetics Services, Murdoch Childrens Research Institute); PubMed 38828998 (cited by Mitochondrial Research Group, Murdoch Children's Research Institute).